The following is an entry in ClinVar:

NM_153676.4(USH1C):c.679del (p.Ser227fs)

Gene: USH1C (USH1 protein network component harmonin; minus strand). Cytogenetic location: 11p15.1.
Variant type: Deletion.
Coding change: c.679del on transcript NM_153676.4 (MANE Select); coding-DNA position 679, one base deleted (T; older notation c.679delT).
Protein change: p.Ser227fs; shifts the reading frame from serine 227.
Molecular consequence: frameshift variant. On other transcripts: non-coding transcript variant (1).
Genome position (GRCh38, 1-based): chr11:17,524,531, A deleted on the plus strand (T on the coding strand, the reverse complement: USH1C is on the minus strand); the first of 3 consecutive A bases (chr11:17,524,531-17,524,533); deleting any one gives the same sequence. VCF-style (leftmost placement, unchanged base first): chr11-17524530-GA-G. GRCh37 (hg19) VCF-style: chr11-17546077-GA-G.
Other names: c.679del, p.Ser227fs (NM_001297764.2, NM_005709.4); short protein forms S227fs.
Identifiers: ClinVar variation 3764611 (VCV003764611.1).

ClinVar aggregate classification (germline): Pathogenic (1 of 4 stars; one submission).

Conditions:
USH1C-related disorder. Also called: USH1C-related condition.

Submission:

Daryl Scott Lab, Baylor College of Medicine
Classification: Pathogenic for USH1C-related disorder. Last evaluated: 2024-01-01. Review status: criteria provided, single submitter. Criteria: ACMG Guidelines, 2015. Collection method: clinical testing. Allele origin: biparental. Affected: yes. Observed: 1 homozygote.
Comment: PVS1, PM2